The following is an entry in ClinVar:

NM_006734.4(HIVEP2):c.2200A>G (p.Met734Val)

Gene: HIVEP2 (HIVEP zinc finger 2; minus strand). Cytogenetic location: 6q24.2.
Variant type: single nucleotide variant.
Coding change: c.2200A>G on transcript NM_006734.4 (MANE Select); coding-DNA position 2200, A replaced by G.
Protein change: p.Met734Val; replaces methionine 734 with valine.
Molecular consequence: missense variant.
Genome position (GRCh38, 1-based): chr6:142,772,539, T>C on the plus strand (A>G on the coding strand, the complement: HIVEP2 is on the minus strand). VCF-style: chr6-142772539-T-C. GRCh37 (hg19) VCF-style: chr6-143093676-T-C.
Other names: short protein forms M734V.
Identifiers: ClinVar variation 3764466 (VCV003764466.1).

ClinVar aggregate classification (germline): Uncertain significance (1 of 4 stars; one submission).

Submission:

GeneDx
Classification: Uncertain significance. Last evaluated: 2024-08-21. Review status: criteria provided, single submitter. Criteria: GeneDx Variant Classification Process June 2021. Collection method: clinical testing. Allele origin: germline. Affected: yes.
Comment: In silico analysis indicates that this missense variant does not alter protein structure/function; Not observed at significant frequency in large population cohorts (gnomAD); Has not been previously published as pathogenic or benign to our knowledge